The following is an entry in ClinVar:

ClinVar aggregate classification (germline): Conflicting classifications of pathogenicity. Review status: criteria provided, conflicting classifications (1 of 4 stars). 2 submissions from 2 submitters: Uncertain significance (1); Likely benign (1). Last evaluated 2026-04-20.

Submissions (2):

Ambry Genetics
Classification: Uncertain significance. Last evaluated: 2026-04-20. Review status: criteria provided, single submitter. Criteria: Ambry Variant Classification Scheme 2023. Collection method: clinical testing. Allele origin: germline.
Comment: The c.611G>A (p.R204Q) alteration is located in exon 1 (coding exon 1) of the CRIPAK gene. This alteration results from a G to A substitution at nucleotide position 611, causing the arginine (R) at amino acid position 204 to be replaced by a glutamine (Q). Based on data from gnomAD, the A allele has an overall frequency of 0.013% (26/200792) total alleles studied. The highest observed frequency was 0.07% (10/14324) of African alleles. Based on insufficient or conflicting evidence, the clinical significance of this alteration remains unclear.

CeGaT Center for Human Genetics Tuebingen
Classification: Likely benign. Last evaluated: 2024-06-01. Review status: criteria provided, single submitter. Criteria: CeGaT Center For Human Genetics Tuebingen Variant Classification Criteria Version 2. Collection method: clinical testing. Allele origin: germline. Affected: yes. Observed: 3 variant alleles.
Comment: CRIPAK: BP4, BS2

NC_000004.12:g.1395122G>A

Genes: CRIPAK (cysteine rich PAK1 inhibitor; plus strand), UVSSA (UV stimulated scaffold protein A; plus strand), LOC126806945 (P300/CBP strongly-dependent group 1 enhancer GRCh37_chr4:1388225-1389424; plus strand). Cytogenetic location: 4p16.3.
Variant type: single nucleotide variant.
Molecular consequence: missense variant (on NM_175918.3).
Genome position: GRCh38 VCF-style: chr4-1395122-G-A. GRCh37 (hg19) VCF-style: chr4-1388910-G-A.
Other names: c.611G>A, p.Arg204Gln (NM_175918.3); short protein forms R204Q.
Identifiers: ClinVar variation 2366573 (VCV002366573.28), dbSNP rs79300175, ClinGen allele CA2807019.